The following is an entry in ClinVar:

ClinVar aggregate classification (germline): Uncertain significance. Review status: criteria provided, multiple submitters, no conflicts (2 of 4 stars). 3 submissions from 3 submitters: Uncertain significance (3). Last evaluated 2025-04-12.

Conditions:
Dilated cardiomyopathy 1W (CMD1W). Identifiers: Orphanet 154, MedGen C1969639, MONDO:0012667, OMIM 611407.
Cardiovascular phenotype. Identifiers: MedGen CN230736.
Hypertrophic cardiomyopathy 15. Identifiers: MedGen C2750459, MONDO:0013200, OMIM 613255.

Allele frequency attached by ClinVar (database versions not stated): gnomAD exomes below 0.00001; gnomAD 0.00001; TOPMed 0.00002.
gnomAD v4.1: 11 of 1,613,996 alleles (0.00068%); highest among the groups gnomAD compares: Non-Finnish European, 0.00093%; no homozygotes.

Submissions (3):

Ambry Genetics
Classification: Uncertain significance for Cardiovascular phenotype. Last evaluated: 2025-04-12. Review status: criteria provided, single submitter. Criteria: Ambry Variant Classification Scheme 2023. Collection method: clinical testing. Allele origin: germline.
Comment: The p.V247M variant (also known as c.739G>A), located in coding exon 6 of the VCL gene, results from a G to A substitution at nucleotide position 739. The valine at codon 247 is replaced by methionine, an amino acid with highly similar properties. This amino acid position is highly conserved in available vertebrate species. In addition, this alteration is predicted to be deleterious by in silico analysis. Since supporting evidence is limited at this time, the clinical significance of this alteration remains unclear.

Labcorp Genetics (formerly Invitae), Labcorp
Classification: Uncertain significance for Dilated cardiomyopathy 1W. Last evaluated: 2022-09-03. Review status: criteria provided, single submitter. Criteria: Invitae Variant Classification Sherloc (09022015). Collection method: clinical testing. Allele origin: germline.
Comment: In summary, the available evidence is currently insufficient to determine the role of this variant in disease. Therefore, it has been classified as a Variant of Uncertain Significance. Algorithms developed to predict the effect of missense changes on protein structure and function are either unavailable or do not agree on the potential impact of this missense change (SIFT: "Not Available"; PolyPhen-2: "Probably Damaging"; Align-GVGD: "Not Available"). ClinVar contains an entry for this variant (Variation ID: 933983). This variant has not been reported in the literature in individuals affected with VCL-related conditions. This variant is present in population databases (rs545372383, gnomAD 0.0009%). This sequence change replaces valine, which is neutral and non-polar, with methionine, which is neutral and non-polar, at codon 247 of the VCL protein (p.Val247Met).

Fulgent Genetics
Classification: Uncertain significance for Dilated cardiomyopathy 1W; Hypertrophic cardiomyopathy 15. Last evaluated: 2021-09-21. Review status: criteria provided, single submitter. Criteria: ACMG Guidelines, 2015. Collection method: clinical testing. Allele origin: unknown.

NM_014000.3(VCL):c.739G>A (p.Val247Met)

Gene: VCL (vinculin; plus strand). Cytogenetic location: 10q22.2.
Variant type: single nucleotide variant.
Coding change: c.739G>A on transcript NM_014000.3 (MANE Select); coding-DNA position 739, G replaced by A.
Protein change: p.Val247Met; replaces valine 247 with methionine.
Molecular consequence: missense variant.
Genome position (GRCh38, 1-based): chr10:74,074,859, G>A. VCF-style: chr10-74074859-G-A. GRCh37 (hg19) VCF-style: chr10-75834617-G-A.
Other names: c.739G>A, p.Val247Met (NM_003373.4); short protein forms V247M.
Identifiers: ClinVar variation 933983 (VCV000933983.9), dbSNP rs545372383, ClinGen allele CA209694116.